The following is an entry in ClinVar:

NM_020778.5(ALPK3):c.4880G>T (p.Gly1627Val)

Gene: ALPK3 (alpha kinase 3; plus strand). Cytogenetic location: 15q25.3.
Variant type: single nucleotide variant.
Coding change: c.4880G>T on transcript NM_020778.5 (MANE Select); coding-DNA position 4880, G replaced by T.
Protein change: p.Gly1627Val; replaces glycine 1627 with valine.
Molecular consequence: missense variant.
Genome position (GRCh38, 1-based): chr15:84,868,218, G>T. VCF-style: chr15-84868218-G-T. GRCh37 (hg19) VCF-style: chr15-85411449-G-T.
Other names: c.5486G>T (NM_020778.4); short protein forms G1627V.
Identifiers: ClinVar variation 3687547 (VCV003687547.3).

ClinVar aggregate classification (germline): Uncertain significance. Review status: criteria provided, multiple submitters, no conflicts (2 of 4 stars). 2 submissions from 2 submitters: Uncertain significance (2). Last evaluated 2025-08-21.

Conditions:
Cardiovascular phenotype. Identifiers: MedGen CN230736.

gnomAD v4.1: 2 of 1,614,190 alleles (0.00012%); highest among the groups gnomAD compares: Non-Finnish European, 0.00017%; no homozygotes.

Submissions (2):

Ambry Genetics
Classification: Uncertain significance for Cardiovascular phenotype. Last evaluated: 2025-08-21. Review status: criteria provided, single submitter. Criteria: Ambry Variant Classification Scheme 2023. Collection method: clinical testing. Allele origin: germline.

Labcorp Genetics (formerly Invitae), Labcorp
Classification: Uncertain significance. Last evaluated: 2025-02-04. Review status: criteria provided, single submitter. Criteria: Invitae Variant Classification Sherloc (09022015). Collection method: clinical testing. Allele origin: germline.
Comment: This sequence change replaces glycine, which is neutral and non-polar, with valine, which is neutral and non-polar, at codon 1829 of the ALPK3 protein (p.Gly1829Val). This variant is present in population databases (no rsID available, gnomAD 0.0009%). This variant has not been reported in the literature in individuals affected with ALPK3-related conditions. An algorithm developed to predict the effect of missense changes on protein structure and function outputs the following: PolyPhen-2: "Benign". The valine amino acid residue is found in multiple mammalian species, which suggests that this missense change does not adversely affect protein function. In summary, the available evidence is currently insufficient to determine the role of this variant in disease. Therefore, it has been classified as a Variant of Uncertain Significance.